The following is an entry in ClinVar:

ClinVar aggregate classification (germline): Uncertain significance (1 of 4 stars; one submission).

Conditions:
Hereditary cancer-predisposing syndrome. Also called: Neoplastic Syndromes, Hereditary; Tumor predisposition; Hereditary Cancer Syndrome; Hereditary neoplastic syndrome. Identifiers: Orphanet 140162, MedGen C0027672, MeSH D009386, MONDO:0015356.

Submission:

Labcorp Genetics (formerly Invitae), Labcorp
Classification: Uncertain significance for Hereditary cancer-predisposing syndrome. Last evaluated: 2022-03-17. Review status: criteria provided, single submitter. Criteria: Invitae Variant Classification Sherloc (09022015). Collection method: clinical testing. Allele origin: germline.
Comment: This variant is not present in population databases (gnomAD no frequency). This sequence change replaces isoleucine, which is neutral and non-polar, with leucine, which is neutral and non-polar, at codon 52 of the RAD50 protein (p.Ile52Leu). This variant has not been reported in the literature in individuals affected with RAD50-related conditions. Algorithms developed to predict the effect of missense changes on protein structure and function (SIFT, PolyPhen-2, Align-GVGD) all suggest that this variant is likely to be tolerated. In summary, the available evidence is currently insufficient to determine the role of this variant in disease. Therefore, it has been classified as a Variant of Uncertain Significance.

NM_005732.4(RAD50):c.154A>C (p.Ile52Leu)

Gene: RAD50 (RAD50 double strand break repair protein; plus strand). Cytogenetic location: 5q31.1.
Variant type: single nucleotide variant.
Coding change: c.154A>C on transcript NM_005732.4 (MANE Select); coding-DNA position 154, A replaced by C.
Protein change: p.Ile52Leu; replaces isoleucine 52 with leucine.
Molecular consequence: missense variant.
Genome position (GRCh38, 1-based): chr5:132,559,308, A>C. VCF-style: chr5-132559308-A-C. GRCh37 (hg19) VCF-style: chr5-131895000-A-C.
Other names: short protein forms I52L.
Identifiers: ClinVar variation 2113267 (VCV002113267.4), dbSNP rs1060501969, ClinGen allele CA360953345.